The following is an entry in ClinVar:

ClinVar aggregate classification (germline): Uncertain significance (1 of 4 stars; one submission).

Allele frequency attached by ClinVar (database versions not stated): gnomAD 0.00001; TOPMed 0.00001; gnomAD exomes 0.00002.
gnomAD v4.1: 35 of 1,611,944 alleles (0.0022%); highest among the groups gnomAD compares: Non-Finnish European, 0.0028%; no homozygotes.

Submission:

Labcorp Genetics (formerly Invitae), Labcorp
Classification: Uncertain significance. Last evaluated: 2022-06-29. Review status: criteria provided, single submitter. Criteria: Invitae Variant Classification Sherloc (09022015). Collection method: clinical testing. Allele origin: germline.
Comment: This sequence change replaces threonine, which is neutral and polar, with alanine, which is neutral and non-polar, at codon 873 of the TRIM37 protein (p.Thr873Ala). This variant is not present in population databases (gnomAD no frequency). This variant has not been reported in the literature in individuals affected with TRIM37-related conditions. Algorithms developed to predict the effect of missense changes on protein structure and function output the following: SIFT: "Not Available"; PolyPhen-2: "Benign"; Align-GVGD: "Not Available". The alanine amino acid residue is found in multiple mammalian species, which suggests that this missense change does not adversely affect protein function. In summary, the available evidence is currently insufficient to determine the role of this variant in disease. Therefore, it has been classified as a Variant of Uncertain Significance.

NM_015294.6(TRIM37):c.2617A>G (p.Thr873Ala)

Gene: TRIM37 (tripartite motif containing 37; minus strand). Cytogenetic location: 17q22.
Variant type: single nucleotide variant.
Coding change: c.2617A>G on transcript NM_015294.6 (MANE Select); coding-DNA position 2617, A replaced by G.
Protein change: p.Thr873Ala; replaces threonine 873 with alanine.
Molecular consequence: missense variant. On other transcripts: non-coding transcript variant (2).
Genome position (GRCh38, 1-based): chr17:59,012,406, T>C on the plus strand (A>G on the coding strand, the complement: TRIM37 is on the minus strand). VCF-style: chr17-59012406-T-C. GRCh37 (hg19) VCF-style: chr17-57089767-T-C.
Other names: c.2617A>G, p.Thr873Ala (NM_001005207.5, NM_001320988.3, NM_001320989.3 and 1 more transcripts); c.2515A>G, p.Thr839Ala (NM_001320987.3, NM_001353082.2); c.2251A>G, p.Thr751Ala (NM_001320990.3); c.1882A>G, p.Thr628Ala (NM_001353083.2); c.2155A>G, p.Thr719Ala (NM_001353085.2); c.2566A>G, p.Thr856Ala (NM_001353086.2); short protein forms T856A, T719A, T839A, T751A, T873A, T628A.
Identifiers: ClinVar variation 1903890 (VCV001903890.2), dbSNP rs1346588941, ClinGen allele CA400770404.